The following is an entry in ClinVar:

ClinVar aggregate classification (germline): Uncertain significance (1 of 4 stars; one submission).

Conditions:
Congenital sideroblastic anemia-B-cell immunodeficiency-periodic fever-developmental delay syndrome. Also called: Sideroblastic anemia with B-cell immunodeficiency, periodic fevers, and developmental delay. Identifiers: Orphanet 369861, MedGen C4015172, MONDO:0014487, OMIM 616084.

Submission:

Labcorp Genetics (formerly Invitae), Labcorp
Classification: Uncertain significance for Congenital sideroblastic anemia-B-cell immunodeficiency-periodic fever-developmental delay syndrome. Last evaluated: 2024-10-24. Review status: criteria provided, single submitter. Criteria: Invitae Variant Classification Sherloc (09022015). Collection method: clinical testing. Allele origin: germline.
Comment: This sequence change replaces leucine, which is neutral and non-polar, with proline, which is neutral and non-polar, at codon 428 of the TRNT1 protein (p.Leu428Pro). This variant is not present in population databases (gnomAD no frequency). This variant has not been reported in the literature in individuals affected with TRNT1-related conditions. ClinVar contains an entry for this variant (Variation ID: 1444229). An algorithm developed to predict the effect of missense changes on protein structure and function (PolyPhen-2) suggests that this variant is likely to be disruptive. In summary, the available evidence is currently insufficient to determine the role of this variant in disease. Therefore, it has been classified as a Variant of Uncertain Significance.

NM_182916.3(TRNT1):c.1283T>C (p.Leu428Pro)

Gene: TRNT1 (tRNA nucleotidyl transferase 1; plus strand). Cytogenetic location: 3p26.2.
Variant type: single nucleotide variant.
Coding change: c.1283T>C on transcript NM_182916.3 (MANE Select); coding-DNA position 1283, T replaced by C.
Protein change: p.Leu428Pro; replaces leucine 428 with proline.
Molecular consequence: missense variant. On other transcripts: non-coding transcript variant (8).
Genome position (GRCh38, 1-based): chr3:3,148,132, T>C. VCF-style: chr3-3148132-T-C. GRCh37 (hg19) VCF-style: chr3-3189816-T-C.
Other names: c.1223T>C, p.Leu408Pro (NM_001302946.2); c.1283T>C, p.Leu428Pro (NM_001367321.1, NM_001367322.1, NM_001367323.1); short protein forms L428P, L408P.
Identifiers: ClinVar variation 1444229 (VCV001444229.6), dbSNP rs2126038533, ClinGen allele CA351449201.